The following is an entry in ClinVar:

ClinVar aggregate classification (germline): Uncertain significance (1 of 4 stars; one submission).

Allele frequency attached by ClinVar (database versions not stated): gnomAD exomes below 0.00001; ExAC 0.00001.

Submission:

ARUP Laboratories, Molecular Genetics and Genomics, ARUP Laboratories
Classification: Uncertain significance. Last evaluated: 2022-09-13. Review status: criteria provided, single submitter. Criteria: ARUP Molecular Germline Variant Investigation Process 2021. Collection method: clinical testing. Allele origin: germline.
Comment: The COL1A2 c.3638C>A; p.Ala1213Asp variant (rs766775291), to our knowledge, is not reported in the medical literature or gene specific databases. This variant is only observed on one allele in the Genome Aggregation Database, indicating it is not a common polymorphism. The alanine at codon 1213 is moderately conserved, and computational analyses predict that this variant is neutral (REVEL: 0.124). Due to limited information, the significance of the p.Ala1213Asp variant is uncertain at this time.

NM_000089.4(COL1A2):c.3638C>A (p.Ala1213Asp)

Gene: COL1A2 (collagen type I alpha 2 chain; plus strand). Cytogenetic location: 7q21.3.
Variant type: single nucleotide variant.
Coding change: c.3638C>A on transcript NM_000089.4 (MANE Select); coding-DNA position 3638, C replaced by A.
Protein change: p.Ala1213Asp; replaces alanine 1213 with aspartic acid.
Molecular consequence: missense variant.
Genome position (GRCh38, 1-based): chr7:94,428,404, C>A. VCF-style: chr7-94428404-C-A. GRCh37 (hg19) VCF-style: chr7-94057716-C-A.
Other names: short protein forms A1213D.
Identifiers: ClinVar variation 2428685 (VCV002428685.3), dbSNP rs766775291, ClinGen allele CA4347806.